The following is an entry in ClinVar:

NM_002890.3(RASA1):c.1038T>G (p.His346Gln)

Genes: CCNH (cyclin H; minus strand), RASA1 (RAS p21 protein activator 1; plus strand). Cytogenetic location: 5q14.3.
Variant type: single nucleotide variant.
Coding change: c.1038T>G on transcript NM_002890.3 (MANE Select); coding-DNA position 1038, T replaced by G.
Protein change: p.His346Gln; replaces histidine 346 with glutamine.
Molecular consequence: missense variant. On other transcripts: intron variant (1).
Genome position (GRCh38, 1-based): chr5:87,341,310, T>G. VCF-style: chr5-87341310-T-G. GRCh37 (hg19) VCF-style: chr5-86637127-T-G.
Other names: c.507T>G, p.His169Gln (NM_022650.3); c.934-28515A>C (NM_001364075.2); short protein forms H169Q, H346Q.
Identifiers: ClinVar variation 3685627 (VCV003685627.2).

ClinVar aggregate classification (germline): Uncertain significance (1 of 4 stars; one submission).

Conditions:
Capillary malformation-arteriovenous malformation syndrome. Also called: Capillary malformation-arteriovenous malformation. Identifiers: Orphanet 137667, MedGen C1842180, MONDO:0012016.

gnomAD v4.1: 1 of 1,355,242 alleles (0.000074%); highest among the groups gnomAD compares: Non-Finnish European, 0.000096%; no homozygotes.

Submission:

Labcorp Genetics (formerly Invitae), Labcorp
Classification: Uncertain significance for Capillary malformation-arteriovenous malformation syndrome. Last evaluated: 2024-03-16. Review status: criteria provided, single submitter. Criteria: Invitae Variant Classification Sherloc (09022015). Collection method: clinical testing. Allele origin: germline.
Comment: This sequence change replaces histidine, which is basic and polar, with glutamine, which is neutral and polar, at codon 346 of the RASA1 protein (p.His346Gln). This variant is not present in population databases (gnomAD no frequency). This variant has not been reported in the literature in individuals affected with RASA1-related conditions. An algorithm developed to predict the effect of missense changes on protein structure and function (PolyPhen-2) suggests that this variant is likely to be disruptive. In summary, the available evidence is currently insufficient to determine the role of this variant in disease. Therefore, it has been classified as a Variant of Uncertain Significance.